The following is an entry in ClinVar:

ClinVar aggregate classification (germline): Conflicting classifications of pathogenicity. Review status: criteria provided, conflicting classifications (1 of 4 stars). 2 submissions from 2 submitters: Uncertain significance (1); Likely benign (1). Last evaluated 2025-01-22.

Conditions:
LAMA2-related muscular dystrophy (LAMA2-RD). Also called: Laminin alpha 2-related dystrophy. Identifiers: MedGen C5679788, MONDO:0100228.

Allele frequency attached by ClinVar (database versions not stated): gnomAD 0.00001; 1000 Genomes Project 30x 0.00016; 1000 Genomes Project 0.00020.
gnomAD v4.1: 18 of 1,613,142 alleles (0.0011%); highest among the groups gnomAD compares: South Asian, 0.019%; no homozygotes.

Submissions (2):

Women's Health and Genetics/Laboratory Corporation of America, LabCorp
Classification: Uncertain significance. Last evaluated: 2025-01-22. Review status: criteria provided, single submitter. Criteria: LabCorp Variant Classification Summary - May 2015. Collection method: clinical testing. Allele origin: germline.
Comment: Variant summary: LAMA2 c.1199C>T (p.Pro400Leu) results in a non-conservative amino acid change located in the Laminin-type epidermal growth factor-like domain (IPR002049) of the encoded protein sequence. Four of five in-silico tools predict a damaging effect of the variant on protein function. The variant allele was found at a frequency of 2e-05 in 251206 control chromosomes. The available data on variant occurrences in the general population are insufficient to allow any conclusion about variant significance. To our knowledge, no occurrence of c.1199C>T in individuals affected with Merosin deficient congenital muscular dystrophy and no experimental evidence demonstrating its impact on protein function have been reported. ClinVar contains an entry for this variant (Variation ID: 2078292). Based on the evidence outlined above, the variant was classified as uncertain significance.

Labcorp Genetics (formerly Invitae), Labcorp
Classification: Likely benign for LAMA2-related muscular dystrophy. Last evaluated: 2024-02-08. Review status: criteria provided, single submitter. Criteria: Invitae Variant Classification Sherloc (09022015). Collection method: clinical testing. Allele origin: germline.

NM_000426.4(LAMA2):c.1199C>T (p.Pro400Leu)

Gene: LAMA2 (laminin subunit alpha 2; plus strand). Cytogenetic location: 6q22.33.
Variant type: single nucleotide variant.
Coding change: c.1199C>T on transcript NM_000426.4 (MANE Select); coding-DNA position 1199, C replaced by T.
Protein change: p.Pro400Leu; replaces proline 400 with leucine.
Molecular consequence: missense variant.
Genome position (GRCh38, 1-based): chr6:129,154,676, C>T. VCF-style: chr6-129154676-C-T. GRCh37 (hg19) VCF-style: chr6-129475821-C-T.
Other names: c.1199C>T, p.Pro400Leu (NM_001079823.2); short protein forms P400L.
Identifiers: ClinVar variation 2078292 (VCV002078292.6), dbSNP rs567687227, ClinGen allele CA3992535.